The following is an entry in ClinVar:

NM_018060.4(IARS2):c.2494C>A (p.Arg832Ser)

Gene: IARS2 (isoleucyl-tRNA synthetase 2, mitochondrial; plus strand). Cytogenetic location: 1q41.
Variant type: single nucleotide variant.
Coding change: c.2494C>A on transcript NM_018060.4 (MANE Select); coding-DNA position 2494, C replaced by A.
Protein change: p.Arg832Ser; replaces arginine 832 with serine.
Molecular consequence: missense variant.
Genome position (GRCh38, 1-based): chr1:220,141,882, C>A. VCF-style: chr1-220141882-C-A. GRCh37 (hg19) VCF-style: chr1-220315224-C-A.
Other names: short protein forms R832S.
Identifiers: ClinVar variation 1359804 (VCV001359804.8), dbSNP rs2102841738, ClinGen allele CA344617074.

ClinVar aggregate classification (germline): Uncertain significance (1 of 4 stars; one submission).

Submission:

Labcorp Genetics (formerly Invitae), Labcorp
Classification: Uncertain significance. Last evaluated: 2022-07-19. Review status: criteria provided, single submitter. Criteria: Invitae Variant Classification Sherloc (09022015). Collection method: clinical testing. Allele origin: germline.
Comment: In summary, the available evidence is currently insufficient to determine the role of this variant in disease. Therefore, it has been classified as a Variant of Uncertain Significance. Algorithms developed to predict the effect of missense changes on protein structure and function are either unavailable or do not agree on the potential impact of this missense change (SIFT: "Tolerated"; PolyPhen-2: "Possibly Damaging"; Align-GVGD: "Class C0"). ClinVar contains an entry for this variant (Variation ID: 1359804). This variant has not been reported in the literature in individuals affected with IARS2-related conditions. This variant is not present in population databases (gnomAD no frequency). This sequence change replaces arginine, which is basic and polar, with serine, which is neutral and polar, at codon 832 of the IARS2 protein (p.Arg832Ser).